The following is an entry in ClinVar:

ClinVar aggregate classification (germline): Likely benign. Review status: criteria provided, multiple submitters, no conflicts (2 of 4 stars). 2 submissions from 2 submitters: Likely benign (2). Last evaluated 2026-04-08.

Conditions:
Cognitive impairment - coarse facies - heart defects - obesity - pulmonary involvement - short stature - skeletal dysplasia syndrome. Also called: COGNITIVE IMPAIRMENT, COARSE FACIES, HEART DEFECTS, OBESITY, PULMONARY INVOLVEMENT, SHORT STATURE, AND SKELETAL DYSPLASIA; Chops syndrome; AFF4-Related CHOPS Syndrome. Identifiers: Orphanet 444077, MedGen C4085597, MONDO:0014609, OMIM 616368.
AFF4-related disorder. Also called: AFF4-related condition.

Allele frequency attached by ClinVar (database versions not stated): gnomAD 0.00001; gnomAD exomes 0.00001; TOPMed 0.00001.
gnomAD v4.1: 12 of 1,613,310 alleles (0.00074%); highest among the groups gnomAD compares: Non-Finnish European, 0.001%; no homozygotes.

Submissions (2):

PreventionGenetics, part of Exact Sciences
Classification: Likely benign for AFF4-related condition. Last evaluated: 2026-04-08. Review status: criteria provided, single submitter. Criteria: ACMG Guidelines, 2015. Collection method: clinical testing. Allele origin: germline.
Comment: This variant is classified as likely benign based on ACMG/AMP sequence variant interpretation guidelines (Richards et al. 2015 PMID: 25741868, with internal and published modifications).

Labcorp Genetics (formerly Invitae), Labcorp
Classification: Likely benign for Cognitive impairment - coarse facies - heart defects - obesity - pulmonary involvement - short stature - skeletal dysplasia syndrome. Last evaluated: 2025-03-17. Review status: criteria provided, single submitter. Criteria: Invitae Variant Classification Sherloc (09022015). Collection method: clinical testing. Allele origin: germline.

NM_014423.4(AFF4):c.3480G>A (p.Lys1160=)

Gene: AFF4 (ALF transcription elongation factor 4; minus strand). Cytogenetic location: 5q31.1.
Variant type: single nucleotide variant.
Coding change: c.3480G>A on transcript NM_014423.4 (MANE Select); coding-DNA position 3480, G replaced by A.
Protein change: p.Lys1160=; no amino-acid change (lysine 1160 retained).
Molecular consequence: synonymous variant.
Genome position (GRCh38, 1-based): chr5:132,881,071, C>T on the plus strand (G>A on the coding strand, the complement: AFF4 is on the minus strand). VCF-style: chr5-132881071-C-T. GRCh37 (hg19) VCF-style: chr5-132216763-C-T.
Other names: c.3480G>A (NM_014423.3).
Identifiers: ClinVar variation 1897722 (VCV001897722.6), dbSNP rs1308795990, ClinGen allele CA446372986.